The following is an entry in ClinVar:

ClinVar aggregate classification (germline): Likely pathogenic (1 of 4 stars; one submission).

Submission:

GeneDx
Classification: Likely pathogenic. Last evaluated: 2016-10-27. Review status: criteria provided, single submitter. Criteria: GeneDx Variant Classification (06012015). Collection method: clinical testing. Allele origin: germline. Affected: yes.
Comment: To our knowledge, the c.1586+6 T>G variant has not been published as a pathogenic variant, nor has it been reported as a benign variant. It was not observed in approximately 6,500 individuals of European and African American ancestry in the NHLBI Exome Sequencing Project, indicating it is not a common benign variant in these populations. Several in-silico splice prediction models predict that c.1586+6 T>G destroys the natural splice donor site in intron 14 and may lead to abnormal gene splicing. Additionally, a splice variant at the same position, c.1586+6 T>C has been published in the Human Gene Mutation Database in association with hypophosphatemic rickets (Stenson et al., 2014). However, in the absence of RNA/functional studies, the actual effect of the c.1586+6 T>G change in this individual is unknown. Therefore, based on the currently available information, this variant is likely pathogenic variant; however, the possibility that it is benign cannot be excluded.

NM_000444.6(PHEX):c.1586+6T>G

Gene: PHEX (phosphate regulating endopeptidase homolog X-linked; plus strand). Cytogenetic location: Xp22.11.
Variant type: single nucleotide variant.
Coding change: c.1586+6T>G on transcript NM_000444.6 (MANE Select); 6 bases into the intron after coding-DNA position 1586, T replaced by G.
Molecular consequence: intron variant.
Genome position (GRCh38, 1-based): chrX:22,178,382, T>G. VCF-style: chrX-22178382-T-G. GRCh37 (hg19) VCF-style: chrX-22196499-T-G.
Other names: c.1586+6T>G (NM_001282754.2).
Identifiers: ClinVar variation 373099 (VCV000373099.2), dbSNP rs1057518214, ClinGen allele CA16043257.